The following is an entry in ClinVar:

ClinVar aggregate classification (germline): Conflicting classifications of pathogenicity. Review status: criteria provided, conflicting classifications (1 of 4 stars). 2 submissions from 2 submitters: Likely pathogenic (1); Uncertain significance (1). Last evaluated 2026-09-04.

Conditions:
Glycogen storage disease, type II (IOPD). Also called: CARDIOMEGALIA GLYCOGENICA DIFFUSA; GLYCOGENOSIS, GENERALIZED, CARDIAC FORM; GSD II; Glycogen storage disease type 2; Acid maltase deficiency disease; Aglucosidase alfa. Identifiers: Orphanet 365, MedGen C0017921, MONDO:0009290, OMIM 232300.

Submissions (2):

Myriad Genetics, Inc.
Classification: Likely pathogenic for Glycogen storage disease, type II. Last evaluated: 2026-09-04. Review status: criteria provided, single submitter. Criteria: Myriad Autosomal Dominant, Autosomal Recessive and X-Linked Classification Criteria (2023). Collection method: clinical testing. Allele origin: unknown.
Comment: NM_000152.3(GAA):c.1120T>C(C374R) is a missense variant classified as likely pathogenic in the context of Pompe disease. C374R has been observed in a case with relevant disease (PMID: 14695532). Relevant functional assessments of this variant are available in the literature (PMID: 14695532, 19862843). Internal structural analysis of the variant is supportive of pathogenicity. C374R has not been observed in referenced population frequency databases. In summary, NM_000152.3(GAA):c.1120T>C(C374R) is a missense variant that has both functional and internal structural support for pathogenicity and has been observed more frequently in cases with the relevant disease than in healthy populations. Please note: this variant was assessed in the context of healthy population screening.

Genomenon, Inc
Classification: Uncertain significance for Glycogen storage disease, type II. Last evaluated: 2026-07-01. Review status: criteria provided, single submitter. Criteria: Genomenon Sequence Variant Interpretation Standards - Updated. Collection method: curation. Allele origin: germline. Affected: yes.
Comment: GAA p.Cys374Arg (c.1120T>C) is a missense variant that changes the amino acid at codon 374 from Cysteine to Arginine. This variant has been observed in at least one proband with a GAA-related disorder in the compound heterozygous and/or homozygous state (PMID:14695532). At least one functional study has demonstrated a substantial alteration in protein function relative to the wild-type (PMID:19862843). It is absent or not present at a significant frequency in gnomAD. In silico models predict that this variant is possibly or probably damaging. In conclusion, we classify GAA p.Cys374Arg (c.1120T>C) as a variant of uncertain significance.

Literature cited by the submitters: PubMed 14695532 (cited by Myriad Genetics, Inc. and Genomenon, Inc); PubMed 19862843 (cited by Myriad Genetics, Inc. and Genomenon, Inc).

NM_000152.5(GAA):c.1120T>C (p.Cys374Arg)

Gene: GAA (alpha glucosidase; plus strand). Cytogenetic location: 17q25.3.
Variant type: single nucleotide variant.
Coding change: c.1120T>C on transcript NM_000152.5 (MANE Select); coding-DNA position 1120, T replaced by C.
Protein change: p.Cys374Arg; replaces cysteine 374 with arginine.
Molecular consequence: missense variant.
Genome position (GRCh38, 1-based): chr17:80,108,533, T>C. VCF-style: chr17-80108533-T-C. GRCh37 (hg19) VCF-style: chr17-78082332-T-C.
Other names: c.1120T>C, p.Cys374Arg (NM_001079803.3, NM_001079804.3, NM_001406741.1 and 1 more transcripts); short protein forms C374R.
Identifiers: ClinVar variation 4876457 (VCV004876457.2).